The following is an entry in ClinVar:

ClinVar aggregate classification (germline): Pathogenic. Review status: reviewed by expert panel (3 of 4 stars). 3 submissions from 3 submitters: Pathogenic (1). 2 of the submissions do not count toward it. Last evaluated 2016-10-18.

Conditions:
Breast-ovarian cancer, familial, susceptibility to, 2 (BROVCA2). Also called: BRCA2 Hereditary Breast and Ovarian Cancer. Identifiers: Orphanet 145, MedGen C2675520, MONDO:0012933, OMIM 612555. Disease mechanism: loss of function.
Familial cancer of breast. Also called: BREAST CANCER, FAMILIAL; Hereditary breast cancer; hereditary breast carcinoma. Identifiers: Orphanet 227535, MedGen C0346153, MONDO:0016419, OMIM 114480. Disease mechanism: loss of function.

Submissions (3):

Evidence-based Network for the Interpretation of Germline Mutant Alleles (ENIGMA)
Classification: Pathogenic for Breast-ovarian cancer, familial, susceptibility to, 2. Last evaluated: 2016-10-18. Review status: reviewed by expert panel. Criteria: ENIGMA BRCA1/2 Classification Criteria (2015). Collection method: curation. Allele origin: germline.
Comment: Variant allele predicted to encode a truncated non-functional protein.

Consortium of Investigators of Modifiers of BRCA1/2 (CIMBA), c/o University of Cambridge
Classification: Pathogenic for Breast-ovarian cancer, familial, susceptibility to, 2. Last evaluated: 2015-10-02. Review status: criteria provided, single submitter. Criteria: CIMBA Mutation Classification guidelines May 2016. Collection method: clinical testing. Allele origin: germline. Not counted in ClinVar's aggregate classification.

Center of Medical Genetics and Primary Health Care
Classification: Pathogenic for Familial Breast cancer. Last evaluated: 2020-04-08. Review status: no assertion criteria provided. Collection method: research. Allele origin: germline. Affected: yes. Observed: 1 heterozygote. Not counted in ClinVar's aggregate classification.
Comment: ACMG Guidelines 2015 criteria The BRCA2 variant p.Asn2101Metfs is a known pathogenic variant in exon 11in a non-functional domain after the BRCA2_REPEAT (N2051-2085L aa) functional domain and in a mutation hotspot region with 31 pathogenic variants (PM1 Pathogenic Moderate). This frameshift mutation disrupts the function of the downstream BRCA-2_helical domain (D2479- 2667S aa) (Yang et al., 2002) (PVS1 Pathogenic Very Strong; PS3 Pathogenic Strong). 1 pathogenic prediction from GERP versus no benign predictions supports its deleterious effect (PP3 Pathogenic Supporting). This variant is not found in GnomAD exomes neither in GnomAD genomes (PM2 Pathogenic Moderate). The variant has been classified as pathogenic by the ClinGen-approved ENIGMA expert panel (ClinVar SCV000324438.1) (PP5 Pathogenic Supporting). Therefore, this variant was classified as a Pathogenic.

NM_000059.4(BRCA2):c.6302del (p.Asn2101fs)

Gene: BRCA2 (BRCA2 DNA repair associated; plus strand). Cytogenetic location: 13q13.1.
Variant type: Deletion.
Coding change: c.6302del on transcript NM_000059.4 (MANE Select); coding-DNA position 6302, one base deleted (A; older notation c.6302delA).
Protein change: p.Asn2101fs; shifts the reading frame from asparagine 2101.
Molecular consequence: frameshift variant.
Genome position (GRCh38, 1-based): chr13:32,340,657, A deleted; the last of 4 consecutive A bases (chr13:32,340,654-32,340,657); deleting any one gives the same sequence. VCF-style (leftmost placement, unchanged base first): chr13-32340653-CA-C. GRCh37 (hg19) VCF-style: chr13-32914790-CA-C.
Other names: 6530delA-ter2118; c.6302delA (NM_000059.3).
Identifiers: ClinVar variation 52050 (VCV000052050.11), dbSNP rs397507839, ClinGen allele CA023840.